The following is an entry in ClinVar:

ClinVar aggregate classification (germline): Uncertain significance (1 of 4 stars; one submission).

Conditions:
Neuropathy, hereditary sensory, type 2C. Also called: KIF1A-Related HSAN2 (HSAN2C); Hereditary sensory and autonomic neuropathy type IIC. Identifiers: Orphanet 970, MedGen C3280168, MONDO:0013634, OMIM 614213.
Hereditary spastic paraplegia 30. Identifiers: Orphanet 101010, MedGen C5235139, MONDO:0012476.
Intellectual disability, autosomal dominant 9 (NESCAVS). Also called: NESCAV SYNDROME; KIF1A-Related Neurodevelopmental Disorder. Identifiers: Orphanet 662367, MedGen C5393830, MONDO:0013656, OMIM 614255.

Submission:

Labcorp Genetics (formerly Invitae), Labcorp
Classification: Uncertain significance for Hereditary spastic paraplegia 30; Neuropathy, hereditary sensory, type 2C; Intellectual disability, autosomal dominant 9. Last evaluated: 2023-02-14. Review status: criteria provided, single submitter. Criteria: Invitae Variant Classification Sherloc (09022015). Collection method: clinical testing. Allele origin: germline.
Comment: This sequence change replaces proline, which is neutral and non-polar, with alanine, which is neutral and non-polar, at codon 955 of the KIF1A protein (p.Pro955Ala). This variant is not present in population databases (gnomAD no frequency). This variant has not been reported in the literature in individuals affected with KIF1A-related conditions. Advanced modeling of protein sequence and biophysical properties (such as structural, functional, and spatial information, amino acid conservation, physicochemical variation, residue mobility, and thermodynamic stability) performed at Invitae indicates that this missense variant is not expected to disrupt KIF1A protein function. In summary, the available evidence is currently insufficient to determine the role of this variant in disease. Therefore, it has been classified as a Variant of Uncertain Significance.

NM_001244008.2(KIF1A):c.3166C>G (p.Pro1056Ala)

Gene: KIF1A (kinesin family member 1A; minus strand). Cytogenetic location: 2q37.3.
Variant type: single nucleotide variant.
Coding change: c.3166C>G on transcript NM_001244008.2 (MANE Select); coding-DNA position 3166, C replaced by G.
Protein change: p.Pro1056Ala; replaces proline 1056 with alanine.
Molecular consequence: missense variant.
Genome position (GRCh38, 1-based): chr2:240,746,075, G>C on the plus strand (C>G on the coding strand, the complement: KIF1A is on the minus strand). VCF-style: chr2-240746075-G-C. GRCh37 (hg19) VCF-style: chr2-241685492-G-C.
Other names: c.2890C>G, p.Pro964Ala (NM_001320705.2, NM_001330289.2, NM_001379638.1); c.2965C>G, p.Pro989Ala (NM_001330290.2, NM_001379634.1, NM_001379635.1 and 1 more transcripts); c.3241C>G, p.Pro1081Ala (NM_001379631.1); c.3115C>G, p.Pro1039Ala (NM_001379632.1); c.3139C>G, p.Pro1047Ala (NM_001379633.1, NM_001379642.1, NM_001379645.1); c.2863C>G, p.Pro955Ala (NM_001379636.1, NM_001379639.1, NM_001379640.1 and 7 more transcripts); c.2938C>G, p.Pro980Ala (NM_001379637.1, NM_001379648.1); short protein forms P1039A, P1047A, P964A, P1056A, P955A, P1081A, P980A, P989A.
Identifiers: ClinVar variation 2942742 (VCV002942742.3), dbSNP rs2048563349, ClinGen allele CA351318826.
Genomic context (GRCh38, chr2:240,746,075, plus strand): 5'-GGGCAGCTGGGGTGGGCGACCCACCTGAACAGGTGTTGTTGTTGACTTCATCGGCTGAGG[G>C]CCCCACGTCTGCACCCTGGCCCTGGCCCTCCACGATGCGAAGCTCTTCCTGGGAGGTTCC-3'
Protein context (NP_001230937.1, residues 1046-1066): EGQGQGADVG[Pro1056Ala]SADEVNNNTC